The following is an entry in ClinVar:

NM_003873.7(NRP1):c.2358A>G (p.Gly786=)

Gene: NRP1 (neuropilin 1; minus strand). Cytogenetic location: 10p11.22.
Variant type: single nucleotide variant.
Coding change: c.2358A>G on transcript NM_003873.7 (MANE Select); coding-DNA position 2358, A replaced by G.
Protein change: p.Gly786=; no amino-acid change (glycine 786 retained).
Molecular consequence: synonymous variant. On other transcripts: non-coding transcript variant (1).
Genome position (GRCh38, 1-based): chr10:33,185,701, T>C on the plus strand (A>G on the coding strand, the complement: NRP1 is on the minus strand). VCF-style: chr10-33185701-T-C. GRCh37 (hg19) VCF-style: chr10-33474629-T-C.
Other names: c.2340A>G, p.Gly780= (NM_001244972.2); c.2337A>G, p.Gly779= (NM_001244973.2); c.2358A>G, p.Gly786= (NM_001330068.2).
Identifiers: ClinVar variation 3351189 (VCV003351189.1).

ClinVar aggregate classification (germline): Likely benign (0 of 4 stars; one submission).

Conditions:
NRP1-related disorder. Also called: NRP1-related condition.

gnomAD v4.1: 30 of 1,614,010 alleles (0.0019%); highest among the groups gnomAD compares: African/African-American, 0.037%; no homozygotes.

Submission:

PreventionGenetics, part of Exact Sciences
Classification: Likely benign for NRP1-related condition. Last evaluated: 2021-09-01. Review status: no assertion criteria provided. Collection method: clinical testing. Allele origin: germline.
Comment: This variant is classified as likely benign based on ACMG/AMP sequence variant interpretation guidelines (Richards et al. 2015 PMID: 25741868, with internal and published modifications).